The following is an entry in ClinVar:

ClinVar aggregate classification (germline): Pathogenic (0 of 4 stars; one submission).

Conditions:
Mitochondrial complex I deficiency, nuclear type 28. Also called: Mitochondrial complex 1 deficiency, nuclear type 28. Identifiers: MedGen C4748827, MONDO:0032632, OMIM 618249.

Allele frequency attached by ClinVar (database versions not stated): gnomAD exomes below 0.00001; gnomAD 0.00001; TOPMed 0.00001.
gnomAD v4.1: 3 of 1,613,940 alleles (0.00019%); highest among the groups gnomAD compares: Admixed American, 0.0017%; no homozygotes.

Submissions (2):

OMIM
Classification: Pathogenic for MITOCHONDRIAL COMPLEX I DEFICIENCY, NUCLEAR TYPE 28. Last evaluated: 2024-07-16. Review status: no assertion criteria provided. Collection method: literature only. Allele origin: germline.

Mitochondrial Disorders Lab i+12, Hospital Universitario 12 de Octubre
No classification provided (evidence only). Condition: Leigh syndrome; Nystagmus; Lactic acidosis; Hypertrophic cardiomyopathy; Severe global developmental delay; Decreased activity of mitochondrial complex I. Last evaluated: 2020-06-09. Review status: no classification provided. Criteria: ACMG Guidelines, 2015. Collection method: research. Allele origin: not applicable. Inheritance: Autosomal recessive inheritance. Functional consequence: effect on protein abundance. Not counted in ClinVar's aggregate classification.
Comment: This is a novel recessive variant in the NDUFA13 gene, identidied in compound heterozygosity. In silico analysis of the pathogenicity for the p.(Leu36Pro) variant showed that the Leu36 residue is located within an evolutionarily highly-conserved region of the NDUFA13 protein . Pathogenic computational verdict because 10 pathogenic predictions from DANN, DEOGEN2, EIGEN, FATHMM-MKL, M-CAP, MVP, MutationAssessor, MutationTaster, REVEL and SIFT vs no benign predictions. Family segregation, absence in population databases, and functional evidences in patient's derived cultured cells suggest the variant is pathogenic

"Pathogenic" was previously submitted as the classification for the variant. However, the classification appeared to be based only on an observation of functional data so it was converted to no classification on 2025-07-30.

Literature cited by the submitters: PubMed 32722639 (cited by OMIM).

NM_015965.7(NDUFA13):c.107T>C (p.Leu36Pro)

Genes: NDUFA13 (NADH:ubiquinone oxidoreductase subunit A13; plus strand), LOC125371495 (Sharpr-MPRA regulatory region 9511; plus strand). Cytogenetic location: 19p13.11.
Variant type: single nucleotide variant.
Coding change: c.107T>C on transcript NM_015965.7 (MANE Select); coding-DNA position 107, T replaced by C.
Protein change: p.Leu36Pro; replaces leucine 36 with proline.
Molecular consequence: missense variant.
Genome position (GRCh38, 1-based): chr19:19,526,194, T>C. VCF-style: chr19-19526194-T-C. GRCh37 (hg19) VCF-style: chr19-19637003-T-C.
Other names: GRIM19; short protein forms L36P.
Identifiers: ClinVar variation 983478 (VCV000983478.5), dbSNP rs2061098856, ClinGen allele CA404935786.